The following is an entry in ClinVar:

ClinVar aggregate classification (germline): Uncertain significance. Review status: criteria provided, multiple submitters, no conflicts (2 of 4 stars). 7 submissions from 7 submitters: Uncertain significance (7). Last evaluated 2024-12-17.

Conditions:
KCNH2-related disorder. Also called: KCNH2-related disorders; KCNH2-related condition.
Cardiovascular phenotype. Identifiers: MedGen CN230736.
Long QT syndrome (LQTS). Identifiers: MedGen C0023976, MeSH D008133, MONDO:0002442. Disease mechanism: loss of function. Inheritance: Various modes of inheritance.
Cardiac arrhythmia. Also called: Arrhythmia; Cardiac rhythm disease. Identifiers: MedGen C0003811, MONDO:0007263, HP:0011675.
Long QT syndrome 2 (LQT2). Identifiers: Orphanet 101016, Orphanet 768, MedGen C3150943, MONDO:0013367, OMIM 613688.
Short QT syndrome type 1. Identifiers: Orphanet 51083, MedGen C1865020, MONDO:0012312, OMIM 609620.

Allele frequency attached by ClinVar (database versions not stated): gnomAD 0.00001; ExAC 0.00002; gnomAD exomes 0.00002 and 0.00005; TOPMed 0.00005; ESP Exome Variant Server 0.00008.
gnomAD v4.1: 78 of 1,613,956 alleles (0.0048%); highest among the groups gnomAD compares: Non-Finnish European, 0.0064%; no homozygotes.

Submissions (7):

Labcorp Genetics (formerly Invitae), Labcorp
Classification: Uncertain significance for Long QT syndrome. Last evaluated: 2024-12-17. Review status: criteria provided, single submitter. Criteria: Invitae Variant Classification Sherloc (09022015). Collection method: clinical testing. Allele origin: germline.
Comment: This sequence change replaces arginine, which is basic and polar, with histidine, which is basic and polar, at codon 397 of the KCNH2 protein (p.Arg397His). This variant is present in population databases (rs368817970, gnomAD 0.003%). This missense change has been observed in individual(s) with sudden arrhythmic cardiac death syndrome (PMID: 28449774). ClinVar contains an entry for this variant (Variation ID: 851410). An algorithm developed to predict the effect of missense changes on protein structure and function (PolyPhen-2) suggests that this variant is likely to be disruptive. Experimental studies have shown that this missense change does not substantially affect KCNH2 function (PMID: 34002542). In summary, the available evidence is currently insufficient to determine the role of this variant in disease. Therefore, it has been classified as a Variant of Uncertain Significance.

Ambry Genetics
Classification: Uncertain significance for Cardiovascular phenotype. Last evaluated: 2024-10-31. Review status: criteria provided, single submitter. Criteria: Ambry Variant Classification Scheme 2023. Collection method: clinical testing. Allele origin: germline.
Comment: The p.R397H variant (also known as c.1190G>A), located in coding exon 6 of the KCNH2 gene, results from a G to A substitution at nucleotide position 1190. The arginine at codon 397 is replaced by histidine, an amino acid with highly similar properties. This variant was reported in individuals in a sudden arrhythmic death syndrome cohort and an epilepsy control cohort (Lahrouchi N et al. J Am Coll Cardiol, 2017 May;69:2134-2145; Soh MS et al. Ann Clin Transl Neurol, 2021 Jul;8:1422-1432). In an assay testing KCNH2 function, this variant showed a functionally normal result (Soh MS et al. Ann Clin Transl Neurol, 2021 Jul;8:1422-1432). This amino acid position is not well conserved in available vertebrate species. In addition, this alteration is predicted to be deleterious by in silico analysis. Based on the available evidence, the clinical significance of this variant remains unclear.

All of Us Research Program, National Institutes of Health
Classification: Uncertain significance for Long QT syndrome. Last evaluated: 2023-12-18. Review status: criteria provided, single submitter. Criteria: ACMG Guidelines, 2015. Collection method: clinical testing. Allele origin: germline. Inheritance: Autosomal dominant inheritance. Observed: 6 variant alleles, 6 heterozygotes.
Comment: This missense variant replaces arginine with histidine at codon 397 of the KCNH2 protein. Computational prediction tools indicate that this variant has a deleterious impact on protein structure and function. This variant is found within a highly conserved N-terminus region (a.a. 306-403). Rare non-truncating variants in this region have been shown to be significantly overrepresented in individuals with long QT syndrome (PMID: 32893267). An in vitro functional study has shown that this variant does not change potassium channel function (PMID: 34002542). This variant has been reported in an individual affected with sudden arrhythmic death (PMID: 28449774). This variant has been identified in 4/251362 chromosomes in the general population by the Genome Aggregation Database (gnomAD). The available evidence is insufficient to determine the role of this variant in disease conclusively. Therefore, this variant is classified as a Variant of Uncertain Significance.

This study involves interpretation of variants in research participants for the purpose of population health screening. Participant phenotype was not available at the time of variant classification. Additional details can be found in publication PMID: 35346344, PMCID: PMC8962531

Color Diagnostics, LLC DBA Color Health
Classification: Uncertain significance for Cardiac arrhythmia. Last evaluated: 2023-12-07. Review status: criteria provided, single submitter. Criteria: ACMG Guidelines, 2015. Collection method: clinical testing. Allele origin: germline.
Comment: This missense variant replaces arginine with histidine at codon 397 of the KCNH2 protein. Computational prediction tools indicate that this variant has a deleterious impact on protein structure and function. This variant is found within a highly conserved N-terminus region (a.a. 306-403). Rare non-truncating variants in this region have been shown to be significantly overrepresented in individuals with long QT syndrome (PMID: 32893267). An in vitro functional study has shown that this variant does not change potassium channel function (PMID: 34002542). This variant has been reported in an individual affected with sudden arrhythmic death (PMID: 28449774). This variant has been identified in 4/251362 chromosomes in the general population by the Genome Aggregation Database (gnomAD). The available evidence is insufficient to determine the role of this variant in disease conclusively. Therefore, this variant is classified as a Variant of Uncertain Significance.

New York Genome Center
Classification: Uncertain significance for Short QT syndrome type 1; Long QT syndrome 2. Last evaluated: 2023-08-23. Review status: criteria provided, single submitter. Criteria: NYGC Assertion Criteria 2020. Collection method: clinical testing. Allele origin: germline. Observed: 1 heterozygote.

PreventionGenetics, part of Exact Sciences
Classification: Uncertain significance for KCNH2-related condition. Last evaluated: 2023-06-15. Review status: criteria provided, single submitter. Criteria: ACMG Guidelines, 2015. Collection method: clinical testing. Allele origin: germline.
Comment: The KCNH2 c.1190G>A variant is predicted to result in the amino acid substitution p.Arg397His. This variant was reported in an individual with sudden arrhythmic death syndrome (P4, Lahrouchi et al. 2017. PubMed ID: 28449774). This variant was also reported in the epilepsy control group in a study of individuals with sudden unexpected death in epilepsy (SUDEP) (Soh et al. 2021. PubMed ID: 34002542). Functional studies showed this variant did not impact function (Soh et al. 2021. PubMed ID: 34002542). This variant is reported in 0.0033% of alleles in individuals of South Asian descent in gnomAD. At this time, the clinical significance of this variant is uncertain due to the absence of conclusive functional and genetic evidence.

Fulgent Genetics
Classification: Uncertain significance for Short QT syndrome type 1; Long QT syndrome 2. Last evaluated: 2021-09-06. Review status: criteria provided, single submitter. Criteria: ACMG Guidelines, 2015. Collection method: clinical testing. Allele origin: unknown.

Literature cited by the submitters: PubMed 28449774 (cited by 4 submitters); PubMed 34002542 (cited by 4 submitters); PubMed 32893267 (cited by All of Us Research Program, National Institutes of Health and Color Diagnostics, LLC DBA Color Health).

NM_000238.4(KCNH2):c.1190G>A (p.Arg397His)

Gene: KCNH2 (potassium voltage-gated channel subfamily H member 2; minus strand). Cytogenetic location: 7q36.1.
Variant type: single nucleotide variant.
Coding change: c.1190G>A on transcript NM_000238.4 (MANE Select); coding-DNA position 1190, G replaced by A.
Protein change: p.Arg397His; replaces arginine 397 with histidine.
Molecular consequence: missense variant.
Genome position (GRCh38, 1-based): chr7:150,952,792, C>T on the plus strand (G>A on the coding strand, the complement: KCNH2 is on the minus strand). VCF-style: chr7-150952792-C-T. GRCh37 (hg19) VCF-style: chr7-150649880-C-T.
Other names: c.170G>A, p.Arg57His (NM_001204798.2, NM_172057.3); c.902G>A, p.Arg301His (NM_001406753.1, NM_001406756.1); c.1013G>A, p.Arg338His (NM_001406755.1); c.890G>A, p.Arg297His (NM_001406757.1); c.1190G>A, p.Arg397His (NM_172056.3); short protein forms R57H, R397H, R301H, R297H, R338H.
Identifiers: ClinVar variation 851410 (VCV000851410.23), dbSNP rs368817970, ClinGen allele CA027326.